The following is an entry in ClinVar:

NM_012479.4(YWHAG):c.603C>T (p.Phe201=)

Gene: YWHAG (tyrosine 3-monooxygenase/tryptophan 5-monooxygenase activation protein gamma; minus strand). Cytogenetic location: 7q11.23.
Variant type: single nucleotide variant.
Coding change: c.603C>T on transcript NM_012479.4 (MANE Select); coding-DNA position 603, C replaced by T.
Protein change: p.Phe201=; no amino-acid change (phenylalanine 201 retained).
Molecular consequence: synonymous variant.
Genome position (GRCh38, 1-based): chr7:76,329,718, G>A on the plus strand (C>T on the coding strand, the complement: YWHAG is on the minus strand). VCF-style: chr7-76329718-G-A. GRCh37 (hg19) VCF-style: chr7-75959035-G-A.
Identifiers: ClinVar variation 1535459 (VCV001535459.31), dbSNP rs770141470, ClinGen allele CA4306505.

ClinVar aggregate classification (germline): Likely benign. Review status: criteria provided, multiple submitters, no conflicts (2 of 4 stars). 2 submissions from 2 submitters: Likely benign (2). Last evaluated 2026-05-01.

Allele frequency attached by ClinVar (database versions not stated): TOPMed below 0.00001; ExAC 0.00001; gnomAD 0.00001; gnomAD exomes 0.00002.
gnomAD v4.1: 23 of 1,614,080 alleles (0.0014%); highest among the groups gnomAD compares: South Asian, 0.0044%; no homozygotes.

Submissions (2):

CeGaT Center for Human Genetics Tuebingen
Classification: Likely benign. Last evaluated: 2026-05-01. Review status: criteria provided, single submitter. Criteria: CeGaT Center For Human Genetics Tuebingen Variant Classification Criteria Version 2. Collection method: clinical testing. Allele origin: germline. Affected: yes. Observed: 2 variant alleles.
Comment: YWHAG: BP4, BP7

Labcorp Genetics (formerly Invitae), Labcorp
Classification: Likely benign. Last evaluated: 2025-10-27. Review status: criteria provided, single submitter. Criteria: Invitae Variant Classification Sherloc (09022015). Collection method: clinical testing. Allele origin: germline.